The following is an entry in ClinVar:

NM_006904.7(PRKDC):c.4292T>A (p.Leu1431His)

Gene: PRKDC (protein kinase, DNA-activated, catalytic subunit; minus strand). Cytogenetic location: 8q11.21.
Variant type: single nucleotide variant.
Coding change: c.4292T>A on transcript NM_006904.7 (MANE Select); coding-DNA position 4292, T replaced by A.
Protein change: p.Leu1431His; replaces leucine 1431 with histidine.
Molecular consequence: missense variant.
Genome position (GRCh38, 1-based): chr8:47,888,639, A>T on the plus strand (T>A on the coding strand, the complement: PRKDC is on the minus strand). VCF-style: chr8-47888639-A-T. GRCh37 (hg19) VCF-style: chr8-48801200-A-T.
Other names: c.4292T>A, p.Leu1431His (NM_001081640.2); short protein forms L1431H.
Identifiers: ClinVar variation 2013510 (VCV002013510.4), dbSNP rs2551873601, ClinGen allele CA371145973.

ClinVar aggregate classification (germline): Uncertain significance (1 of 4 stars; one submission).

Conditions:
Severe combined immunodeficiency due to DNA-PKcs deficiency. Also called: Immunodeficiency 26 with or without neurologic abnormalities; IMMUNODEFICIENCY 26 WITH NEUROLOGIC ABNORMALITIES. Identifiers: Orphanet 317425, MedGen C4014833, MONDO:0014423, OMIM 615966.

Submission:

Labcorp Genetics (formerly Invitae), Labcorp
Classification: Uncertain significance for Severe combined immunodeficiency due to DNA-PKcs deficiency. Last evaluated: 2022-07-03. Review status: criteria provided, single submitter. Criteria: Invitae Variant Classification Sherloc (09022015). Collection method: clinical testing. Allele origin: germline.
Comment: In summary, the available evidence is currently insufficient to determine the role of this variant in disease. Therefore, it has been classified as a Variant of Uncertain Significance. Experimental studies and prediction algorithms are not available or were not evaluated, and the functional significance of this variant is currently unknown. This variant has not been reported in the literature in individuals affected with PRKDC-related conditions. This variant is not present in population databases (gnomAD no frequency). This sequence change replaces leucine, which is neutral and non-polar, with histidine, which is basic and polar, at codon 1431 of the PRKDC protein (p.Leu1431His).